The following is an entry in ClinVar:

NM_006514.4(SCN10A):c.401T>G (p.Leu134Ter)

Gene: SCN10A (sodium voltage-gated channel alpha subunit 10; minus strand). Cytogenetic location: 3p22.2.
Variant type: single nucleotide variant.
Coding change: c.401T>G on transcript NM_006514.4 (MANE Select); coding-DNA position 401, T replaced by G.
Protein change: p.Leu134Ter; replaces leucine 134 with a stop codon.
Molecular consequence: nonsense.
Genome position (GRCh38, 1-based): chr3:38,789,025, A>C on the plus strand (T>G on the coding strand, the complement: SCN10A is on the minus strand). VCF-style: chr3-38789025-A-C. GRCh37 (hg19) VCF-style: chr3-38830516-A-C.
Other names: c.401T>G, p.Leu134Ter (NM_001293306.2, NM_001293307.2); short protein forms L134*.
Identifiers: ClinVar variation 1392521 (VCV001392521.6), dbSNP rs1006768253, ClinGen allele CA72961330.

ClinVar aggregate classification (germline): Uncertain significance (1 of 4 stars; one submission).

Conditions:
Brugada syndrome. Also called: Sudden Unexplained Death Syndrome; Sudden Unexplained Nocturnal Death Syndrome (SUNDS); Sudden unexpected nocturnal death syndrome; Sudden unexplained nocturnal death syndrome. Identifiers: Orphanet 130, MedGen C1142166, MONDO:0015263.

Submission:

Labcorp Genetics (formerly Invitae), Labcorp
Classification: Uncertain significance for Brugada syndrome. Last evaluated: 2022-01-13. Review status: criteria provided, single submitter. Criteria: Invitae Variant Classification Sherloc (09022015). Collection method: clinical testing. Allele origin: germline.
Comment: This variant is not present in population databases (gnomAD no frequency). This sequence change creates a premature translational stop signal (p.Leu134*) in the SCN10A gene. It is expected to result in an absent or disrupted protein product. However, the current clinical and genetic evidence is not sufficient to establish whether loss-of-function variants in SCN10A cause disease. This variant has not been reported in the literature in individuals affected with SCN10A-related conditions. In summary, the available evidence is currently insufficient to determine the role of this variant in disease. Therefore, it has been classified as a Variant of Uncertain Significance.